The following is an entry in ClinVar:

ClinVar aggregate classification (germline): Uncertain significance. Review status: criteria provided, multiple submitters, no conflicts (2 of 4 stars). 2 submissions from 2 submitters: Uncertain significance (2). Last evaluated 2022-07-06.

Conditions:
Inborn genetic diseases. Identifiers: MedGen C0950123, MeSH D030342.

Allele frequency attached by ClinVar (database versions not stated): gnomAD 0.00001; gnomAD exomes 0.00001; TOPMed 0.00001; ExAC 0.00002.
gnomAD v4.1: 5 of 1,611,170 alleles (0.00031%); highest among the groups gnomAD compares: Admixed American, 0.0083%; no homozygotes.

Submissions (2):

Labcorp Genetics (formerly Invitae), Labcorp
Classification: Uncertain significance. Last evaluated: 2022-07-06. Review status: criteria provided, single submitter. Criteria: Invitae Variant Classification Sherloc (09022015). Collection method: clinical testing. Allele origin: germline.
Comment: Algorithms developed to predict the effect of missense changes on protein structure and function are either unavailable or do not agree on the potential impact of this missense change (SIFT: "Tolerated"; PolyPhen-2: "Probably Damaging"; Align-GVGD: "Class C0"). In summary, the available evidence is currently insufficient to determine the role of this variant in disease. Therefore, it has been classified as a Variant of Uncertain Significance. This variant has not been reported in the literature in individuals affected with WDR62-related conditions. This variant is present in population databases (rs766176122, gnomAD 0.006%). This sequence change replaces leucine, which is neutral and non-polar, with proline, which is neutral and non-polar, at codon 1299 of the WDR62 protein (p.Leu1299Pro).

Ambry Genetics
Classification: Uncertain significance for Inborn genetic diseases. Last evaluated: 2021-11-09. Review status: criteria provided, single submitter. Criteria: Ambry Variant Classification Scheme 2023. Collection method: clinical testing. Allele origin: germline.

NM_001083961.2(WDR62):c.3896T>C (p.Leu1299Pro)

Gene: WDR62 (WD repeat domain 62; plus strand). Cytogenetic location: 19q13.12.
Variant type: single nucleotide variant.
Coding change: c.3896T>C on transcript NM_001083961.2 (MANE Select); coding-DNA position 3896, T replaced by C.
Protein change: p.Leu1299Pro; replaces leucine 1299 with proline.
Molecular consequence: missense variant.
Genome position (GRCh38, 1-based): chr19:36,103,724, T>C. VCF-style: chr19-36103724-T-C. GRCh37 (hg19) VCF-style: chr19-36594626-T-C.
Other names: c.3881T>C, p.Leu1294Pro (NM_001411145.1, NM_173636.5); c.3647T>C, p.Leu1216Pro (NM_001411146.1); c.3545T>C, p.Leu1182Pro (NM_001411147.1); short protein forms L1216P, L1294P, L1182P, L1299P.
Identifiers: ClinVar variation 1923781 (VCV001923781.6), dbSNP rs766176122, ClinGen allele CA9396413.